The following is an entry in ClinVar:

ClinVar aggregate classification (germline): Benign. Review status: criteria provided, multiple submitters, no conflicts (2 of 4 stars). 5 submissions from 5 submitters: Benign (5). Last evaluated 2025-12-27.

Allele frequency attached by ClinVar (database versions not stated): 1000 Genomes Project 30x 0.01234; ESP Exome Variant Server 0.01284; gnomAD 0.01317 and 0.01215; TOPMed 0.01491; ExAC 0.00511; 1000 Genomes Project 0.01198.
gnomAD v4.1: 5,403 of 1,614,078 alleles (0.33%); highest among the groups gnomAD compares: African/African-American, 3.7%; 70 homozygotes.

Submissions (5):

Labcorp Genetics (formerly Invitae), Labcorp
Classification: Benign. Last evaluated: 2025-12-27. Review status: criteria provided, single submitter. Criteria: Invitae Variant Classification Sherloc (09022015). Collection method: clinical testing. Allele origin: germline.

Mayo Clinic Laboratories, Mayo Clinic
Classification: Benign. Last evaluated: 2021-04-27. Review status: criteria provided, single submitter. Criteria: ACMG Guidelines, 2015. Collection method: clinical testing. Allele origin: germline. Observed: 12 variant alleles.

GeneDx
Classification: Benign. Last evaluated: 2018-02-22. Review status: criteria provided, single submitter. Criteria: GeneDx Variant Classification (06012015). Collection method: clinical testing. Allele origin: germline. Affected: yes.
Comment: This variant is considered likely benign or benign based on one or more of the following criteria: it is a conservative change, it occurs at a poorly conserved position in the protein, it is predicted to be benign by multiple in silico algorithms, and/or has population frequency not consistent with disease.

Laboratory for Molecular Medicine, Mass General Brigham Personalized Medicine
Classification: Benign. Last evaluated: 2012-05-07. Review status: criteria provided, single submitter. Criteria: LMM Criteria. Collection method: clinical testing. Allele origin: germline. Observed: 11 variant alleles.
Comment: Arg470Lys in Exon 11 of TJP2: This variant is not expected to have clinical sign ificance because it has been identified in 3.6% (134/3738) of African American c hromosomes from a broad population by the NHLBI Exome Sequencing Project (dbSNP rs41277901).

Breakthrough Genomics
Classification: Benign. Review status: criteria provided, single submitter. Criteria: ACMG Guidelines, 2015. Collection method: not provided. Allele origin: germline. Inheritance: Autosomal recessive inheritance. Affected: yes.

NM_004817.4(TJP2):c.1478G>A (p.Arg493Lys)

Gene: TJP2 (tight junction protein 2; plus strand). Cytogenetic location: 9q21.11.
Variant type: single nucleotide variant.
Coding change: c.1478G>A on transcript NM_004817.4 (MANE Select); coding-DNA position 1478, G replaced by A.
Protein change: p.Arg493Lys; replaces arginine 493 with lysine.
Molecular consequence: missense variant.
Genome position (GRCh38, 1-based): chr9:69,229,208, G>A. VCF-style: chr9-69229208-G-A. GRCh37 (hg19) VCF-style: chr9-71844124-G-A.
Other names: p.Arg493Lys; c.1490G>A, p.Arg497Lys (NM_001170415.1, NM_001369874.1, NM_001369875.1); c.1571G>A, p.Arg524Lys (NM_001170416.2); c.1403G>A, p.Arg468Lys (NM_001369870.1); c.1409G>A, p.Arg470Lys (NM_001369871.1, NM_001170414.2); c.1478G>A, p.Arg493Lys (NM_001369872.1, NM_001369873.1, NM_201629.3); short protein forms R493K, R470K, R468K, R497K, R524K.
Identifiers: ClinVar variation 44092 (VCV000044092.17), dbSNP rs41277901, ClinGen allele CA133543.
Genomic context (GRCh38, chr9:69,229,208, plus strand): 5'-CCAGATTGATAACAGTAGATGTTTCTTAACCTACAGCTCCTCAACCAAAAGCAGCCCCGA[G>A]AACTTTTCTTCGTCCTAGTCCTGAAGATGAAGCAATATATGGGTATGTATTTCCGTCTCT-3'
Protein context (NP_004808.2, residues 483-503): PPAPQPKAAP[Arg493Lys]TFLRPSPEDE